The following is an entry in ClinVar:

NM_001754.5(RUNX1):c.315C>G (p.His105Gln)

Gene: RUNX1 (RUNX family transcription factor 1; minus strand). Cytogenetic location: 21q22.12.
Variant type: single nucleotide variant.
Coding change: c.315C>G on transcript NM_001754.5 (MANE Select); coding-DNA position 315, C replaced by G.
Protein change: p.His105Gln; replaces histidine 105 with glutamine.
Molecular consequence: missense variant.
Genome position (GRCh38, 1-based): chr21:34,886,879, G>C on the plus strand (C>G on the coding strand, the complement: RUNX1 is on the minus strand). VCF-style: chr21-34886879-G-C. GRCh37 (hg19) VCF-style: chr21-36259176-G-C.
Other names: c.234C>G, p.His78Gln (NM_001001890.3, NM_001122607.2); short protein forms H105Q, H78Q.
Identifiers: ClinVar variation 5010230 (VCV005010230.1).
Genomic context (GRCh38, chr21:34,886,879, plus strand): 5'-CCACCACCCTCTCCGGGCCAGTACCTTGAAAGCGATGGGCAGGGTCTTGTTGCAGCGCCA[G>C]TGCGTAGGCAGCACGGAGCAGAGGAAGTTGGGGCTGTCGGTGCGCACCAGCTCGCCCGGG-3'
Protein context (NP_001745.2, residues 95-115): PNFLCSVLPT[His105Gln]WRCNKTLPIA

ClinVar aggregate classification (germline): Likely pathogenic (1 of 4 stars; one submission).

Submission:

Genetic Services Laboratory, University of Chicago
Classification: Likely pathogenic. Last evaluated: 2025-04-23. Review status: criteria provided, single submitter. Criteria: ACMG Guidelines, 2015. Collection method: clinical testing. Allele origin: germline.
Comment: The c.315C>G variant: Results in an amino acid change, p.His105Gln. Affects a highly conserved amino acid residue located in a domain of the RUNX1 protein that is known to be functional. Appears to be deleterious using several in-silico pathogenicity prediction tools. Transactivation assays have demonstrated that the p.His105Gln variant (referred as H78Q) suppressed the basal transactivation activity. Another functional study has shown an impact on DNA binding and functional consequences in a mouse model (PMID: 22318203, 25840971). Has not been described in population databases such as gnomAD v4. A different nucleotide change, c.315C>A that results in the same amino acid change (p.His105Gln) has previously been described in a patient with chronic myeloid leukemia and determined to be likely pathogenic (PMID: 22318203). ClinVar contains an entry for c.315C>A (p.His105Gln) (Variation ID: 666274). This variant has been classified as Likely Pathogenic by the ClinGen Myeloid Malignancy Variant Curation Expert Panel. Collectively, this evidence indicates that this variant is likely pathogenic.